The following is an entry in ClinVar:

NM_002317.7(LOX):c.1247+3_1247+6del

Genes: LOX (lysyl oxidase; minus strand), SRFBP1 (serum response factor binding protein 1; plus strand). Cytogenetic location: 5q23.1.
Variant type: Deletion.
Coding change: c.1247+3_1247+6del on transcript NM_002317.7 (MANE Select); bases 3 to 6 of the intron after coding-DNA position 1247, 4 bases deleted (AAGT; older notation c.1247+3_1247+6delAAGT).
Molecular consequence: splice donor variant.
Genome position (GRCh38, 1-based): chr5:122,070,047-122,070,050, ACTT deleted on the plus strand (AAGT on the coding strand, the reverse complement: LOX is on the minus strand); deleting any 4 consecutive bases within chr5:122,070,047-122,070,052 gives the same sequence; the c. name uses the placement nearest the transcript's 3' end. VCF-style (leftmost placement, unchanged base first): chr5-122070046-CACTT-C. GRCh37 (hg19) VCF-style: chr5-121405741-CACTT-C.
Other names: c.557+3_557+6del (NM_001178102.2); c.356+3_356+6del (NM_001317073.1).
Identifiers: ClinVar variation 4767068 (VCV004767068.1).

ClinVar aggregate classification (germline): Uncertain significance (1 of 4 stars; one submission).

Submission:

Labcorp Genetics (formerly Invitae), Labcorp
Classification: Uncertain significance. Last evaluated: 2025-11-02. Review status: criteria provided, single submitter. Criteria: Invitae Variant Classification Sherloc (09022015). Collection method: clinical testing. Allele origin: germline.
Comment: This sequence change falls in intron 6 of the LOX gene. It does not directly change the encoded amino acid sequence of the LOX protein. It affects a nucleotide within the consensus splice site. This variant is present in population databases (no rsID available, gnomAD 0.003%). This variant has not been reported in the literature in individuals affected with LOX-related conditions. Variants that disrupt the consensus splice site are a relatively common cause of aberrant splicing (PMID: 17576681, 9536098). Algorithms developed to predict the effect of sequence changes on RNA splicing suggest that this variant may disrupt the consensus splice site. In summary, the available evidence is currently insufficient to determine the role of this variant in disease. Therefore, it has been classified as a Variant of Uncertain Significance.

Literature cited by the submitters: PubMed 17576681; PubMed 9536098.